The following is an entry in ClinVar:

NM_006231.4(POLE):c.5C>G (p.Ser2Cys)

Genes: POLE (DNA polymerase epsilon, catalytic subunit; minus strand), LOC130009266 (ATAC-STARR-seq lymphoblastoid silent region 5123; plus strand). Cytogenetic location: 12q24.33.
Variant type: single nucleotide variant.
Coding change: c.5C>G on transcript NM_006231.4 (MANE Select); coding-DNA position 5, C replaced by G.
Protein change: p.Ser2Cys; replaces serine 2 with cysteine.
Molecular consequence: missense variant.
Genome position (GRCh38, 1-based): chr12:132,687,311, G>C on the plus strand (C>G on the coding strand, the complement: POLE is on the minus strand). VCF-style: chr12-132687311-G-C. GRCh37 (hg19) VCF-style: chr12-133263897-G-C.
Other names: short protein forms S2C.
Identifiers: ClinVar variation 949899 (VCV000949899.11), dbSNP rs1060500890, ClinGen allele CA387373562.

ClinVar aggregate classification (germline): Conflicting classifications of pathogenicity. Review status: criteria provided, conflicting classifications (1 of 4 stars). 3 submissions from 3 submitters: Uncertain significance (2); Likely benign (1). Last evaluated 2025-08-16.

Conditions:
POLD1-related polyposis and colorectal cancer syndrome (CRCS10). Also called: Colorectal cancer 10; COLORECTAL CANCER, SUSCEPTIBILITY TO, ON CHROMOSOME 19q; Colorectal cancer, susceptibility to, 10. Identifiers: Orphanet 220460, MedGen C2675481, MONDO:0012953, OMIM 612591.
Hereditary cancer-predisposing syndrome. Also called: Hereditary neoplastic syndrome; Tumor predisposition; Neoplastic Syndromes, Hereditary; Hereditary Cancer Syndrome. Identifiers: Orphanet 140162, MedGen C0027672, MeSH D009386, MONDO:0015356.

Allele frequency attached by ClinVar (database versions not stated): TOPMed 0.00002.

Submissions (3):

Labcorp Genetics (formerly Invitae), Labcorp
Classification: Uncertain significance. Last evaluated: 2025-08-16. Review status: criteria provided, single submitter. Criteria: Invitae Variant Classification Sherloc (09022015). Collection method: clinical testing. Allele origin: germline.
Comment: This sequence change replaces serine, which is neutral and polar, with cysteine, which is neutral and slightly polar, at codon 2 of the POLE protein (p.Ser2Cys). This variant is not present in population databases (gnomAD no frequency). This variant has not been reported in the literature in individuals affected with POLE-related conditions. ClinVar contains an entry for this variant (Variation ID: 949899). Experimental studies and prediction algorithms are not available or were not evaluated, and the functional significance of this variant is currently unknown. In summary, the available evidence is currently insufficient to determine the role of this variant in disease. Therefore, it has been classified as a Variant of Uncertain Significance.

Molecular Pathology, Peter Maccallum Cancer Centre
Classification: Uncertain significance for POLD1-related polyposis and colorectal cancer syndrome. Last evaluated: 2024-07-26. Review status: criteria provided, single submitter. Criteria: ACMG Guidelines, 2015. Collection method: clinical testing. Allele origin: germline. Inheritance: Autosomal dominant inheritance.

Ambry Genetics
Classification: Likely benign for Hereditary cancer-predisposing syndrome. Last evaluated: 2024-03-29. Review status: criteria provided, single submitter. Criteria: Ambry Variant Classification Scheme 2023. Collection method: clinical testing. Allele origin: germline.